The following is an entry in ClinVar:

ClinVar aggregate classification (germline): Conflicting classifications of pathogenicity. Review status: criteria provided, conflicting classifications (1 of 4 stars). 3 submissions from 3 submitters: Uncertain significance (2); Likely benign (1). Last evaluated 2026-06-16.

Conditions:
Hereditary cancer-predisposing syndrome. Also called: Neoplastic Syndromes, Hereditary; Hereditary neoplastic syndrome; Hereditary Cancer Syndrome; Tumor predisposition. Identifiers: Orphanet 140162, MedGen C0027672, MeSH D009386, MONDO:0015356.
Cardiovascular phenotype. Identifiers: MedGen CN230736.
Neurofibromatosis, type 1 (NF1). Also called: VON RECKLINGHAUSEN DISEASE; Neurofibromatosis, type I; Peripheral type neurofibromatosis; NEUROFIBROMATOSIS, TYPE I, SOMATIC. Identifiers: Orphanet 636, MedGen C0027831, MONDO:0018975, OMIM 162200. Disease mechanism: loss of function.

Submissions (3):

Ambry Genetics
Classification: Likely benign for Cardiovascular phenotype; Hereditary cancer-predisposing syndrome. Last evaluated: 2026-06-16. Review status: criteria provided, single submitter. Criteria: Ambry Variant Classification Scheme 2023. Collection method: clinical testing. Allele origin: germline.

Genome-Nilou Lab
Classification: Uncertain significance for Neurofibromatosis, type 1. Last evaluated: 2022-03-15. Review status: criteria provided, single submitter. Criteria: ACMG Guidelines, 2015. Collection method: clinical testing. Allele origin: germline. Affected: no.

Labcorp Genetics (formerly Invitae), Labcorp
Classification: Uncertain significance for Neurofibromatosis, type 1. Last evaluated: 2021-03-23. Review status: criteria provided, single submitter. Criteria: Invitae Variant Classification Sherloc (09022015). Collection method: clinical testing. Allele origin: germline.
Comment: In summary, the available evidence is currently insufficient to determine the role of this variant in disease. Therefore, it has been classified as a Variant of Uncertain Significance. Advanced modeling of protein sequence and biophysical properties (such as structural, functional, and spatial information, amino acid conservation, physicochemical variation, residue mobility, and thermodynamic stability) performed at Invitae indicates that this missense variant is not expected to disrupt NF1 protein function. This variant has not been reported in the literature in individuals with NF1-related conditions. ClinVar contains an entry for this variant (Variation ID: 480157). This variant is not present in population databases (ExAC no frequency). This sequence change replaces alanine with valine at codon 74 of the NF1 protein (p.Ala74Val). The alanine residue is moderately conserved and there is a small physicochemical difference between alanine and valine.

NM_001042492.3(NF1):c.221C>T (p.Ala74Val)

Gene: NF1 (neurofibromin 1; plus strand). Cytogenetic location: 17q11.2.
Variant type: single nucleotide variant.
Coding change: c.221C>T on transcript NM_001042492.3 (MANE Select); coding-DNA position 221, C replaced by T.
Protein change: p.Ala74Val; replaces alanine 74 with valine.
Molecular consequence: missense variant.
Genome position (GRCh38, 1-based): chr17:31,159,026, C>T. VCF-style: chr17-31159026-C-T. GRCh37 (hg19) VCF-style: chr17-29486044-C-T.
Other names: c.221C>T, p.Ala74Val (NM_000267.4, NM_001128147.3); short protein forms A74V.
Identifiers: ClinVar variation 480157 (VCV000480157.14), dbSNP rs199474726, ClinGen allele CA398989558.
Genomic context (GRCh38, chr17:31,159,026, plus strand): 5'-GAAAGTGAAACTAACTTTTATGTTCTGAATATCTTTTCTGTTAGAGAATATTTGGAGAAG[C>T]TGCTGAAAAAAATTTATATCTCTCTCAGTTGATTATATTGGATACACTGGAAAAATGTCT-3'
Protein context (NP_001035957.1, residues 64-84): NVNNMRIFGE[Ala74Val]AEKNLYLSQL